The following is an entry in ClinVar:

NM_004006.3(DMD):c.4401T>G (p.Phe1467Leu)

Gene: DMD (dystrophin; minus strand). Cytogenetic location: Xp21.1.
Variant type: single nucleotide variant.
Coding change: c.4401T>G on transcript NM_004006.3 (MANE Select); coding-DNA position 4401, T replaced by G.
Protein change: p.Phe1467Leu; replaces phenylalanine 1467 with leucine.
Molecular consequence: missense variant.
Genome position (GRCh38, 1-based): chrX:32,389,618, A>C on the plus strand (T>G on the coding strand, the complement: DMD is on the minus strand). VCF-style: chrX-32389618-A-C. GRCh37 (hg19) VCF-style: chrX-32407735-A-C.
Other names: c.4377T>G, p.Phe1459Leu (NM_000109.4); c.4389T>G, p.Phe1463Leu (NM_004009.3); c.4032T>G, p.Phe1344Leu (NM_004010.3); c.378T>G, p.Phe126Leu (NM_004011.4); c.369T>G, p.Phe123Leu (NM_004012.4); short protein forms F1344L, F1459L, F123L, F126L, F1463L, F1467L.
Identifiers: ClinVar variation 2122720 (VCV002122720.4), dbSNP rs933070075, ClinGen allele CA412663612.

ClinVar aggregate classification (germline): Uncertain significance (1 of 4 stars; one submission).

Conditions:
Duchenne muscular dystrophy (DMD). Also called: MUSCULAR DYSTROPHY, PSEUDOHYPERTROPHIC PROGRESSIVE, DUCHENNE TYPE; Duchenne Muscular Dystrophy (DMD). Identifiers: Orphanet 98896, MedGen C0013264, MONDO:0010679, OMIM 310200.

Submission:

Labcorp Genetics (formerly Invitae), Labcorp
Classification: Uncertain significance for Duchenne muscular dystrophy. Last evaluated: 2022-04-07. Review status: criteria provided, single submitter. Criteria: Invitae Variant Classification Sherloc (09022015). Collection method: clinical testing. Allele origin: germline.
Comment: This sequence change replaces phenylalanine, which is neutral and non-polar, with leucine, which is neutral and non-polar, at codon 1467 of the DMD protein (p.Phe1467Leu). This variant is not present in population databases (gnomAD no frequency). This variant has not been reported in the literature in individuals affected with DMD-related conditions. Algorithms developed to predict the effect of missense changes on protein structure and function are either unavailable or do not agree on the potential impact of this missense change (SIFT: "Deleterious"; PolyPhen-2: "Possibly Damaging"; Align-GVGD: "Class C0"). In summary, the available evidence is currently insufficient to determine the role of this variant in disease. Therefore, it has been classified as a Variant of Uncertain Significance.